The following is an entry in ClinVar:

ClinVar aggregate classification (germline): Uncertain significance (1 of 4 stars; one submission).

Allele frequency attached by ClinVar (database versions not stated): gnomAD 0.00001; TOPMed 0.00003.
gnomAD v4.1: 10 of 1,542,104 alleles (0.00065%); highest among the groups gnomAD compares: East Asian, 0.022%; no homozygotes.

Submission:

Labcorp Genetics (formerly Invitae), Labcorp
Classification: Uncertain significance. Last evaluated: 2022-05-17. Review status: criteria provided, single submitter. Criteria: Invitae Variant Classification Sherloc (09022015). Collection method: clinical testing. Allele origin: germline.
Comment: This sequence change replaces glycine, which is neutral and non-polar, with alanine, which is neutral and non-polar, at codon 1294 of the UNC80 protein (p.Gly1294Ala). This variant is present in population databases (no rsID available, gnomAD 0.02%). This variant has not been reported in the literature in individuals affected with UNC80-related conditions. Algorithms developed to predict the effect of missense changes on protein structure and function are either unavailable or do not agree on the potential impact of this missense change (SIFT: "Not Available"; PolyPhen-2: "Benign"; Align-GVGD: "Not Available"). In summary, the available evidence is currently insufficient to determine the role of this variant in disease. Therefore, it has been classified as a Variant of Uncertain Significance.

NM_001371986.1(UNC80):c.3875G>C (p.Gly1292Ala)

Gene: UNC80 (unc-80 homolog, NALCN channel complex subunit; plus strand). Cytogenetic location: 2q34.
Variant type: single nucleotide variant.
Coding change: c.3875G>C on transcript NM_001371986.1 (MANE Select); coding-DNA position 3875, G replaced by C.
Protein change: p.Gly1292Ala; replaces glycine 1292 with alanine.
Molecular consequence: missense variant.
Genome position (GRCh38, 1-based): chr2:209,877,988, G>C. VCF-style: chr2-209877988-G-C. GRCh37 (hg19) VCF-style: chr2-210742712-G-C.
Other names: c.3881G>C, p.Gly1294Ala (NM_032504.2); c.3866G>C, p.Gly1289Ala (NM_182587.4); short protein forms G1289A, G1292A, G1294A.
Identifiers: ClinVar variation 2420309 (VCV002420309.4), dbSNP rs1461405035, ClinGen allele CA350744979.